The following is an entry in ClinVar:

NM_001876.4(CPT1A):c.1528C>A (p.Pro510Thr)

Gene: CPT1A (carnitine palmitoyltransferase 1A; minus strand). Cytogenetic location: 11q13.3.
Variant type: single nucleotide variant.
Coding change: c.1528C>A on transcript NM_001876.4 (MANE Select); coding-DNA position 1528, C replaced by A.
Protein change: p.Pro510Thr; replaces proline 510 with threonine.
Molecular consequence: missense variant.
Genome position (GRCh38, 1-based): chr11:68,775,363, G>T on the plus strand (C>A on the coding strand, the complement: CPT1A is on the minus strand). VCF-style: chr11-68775363-G-T. GRCh37 (hg19) VCF-style: chr11-68542831-G-T.
Other names: c.1528C>A, p.Pro510Thr (NM_001031847.3); short protein forms P510T.
Identifiers: ClinVar variation 1897436 (VCV001897436.4), dbSNP rs1279443212, ClinGen allele CA381629791.

ClinVar aggregate classification (germline): Uncertain significance (1 of 4 stars; one submission).

Conditions:
Carnitine palmitoyl transferase 1A deficiency. Also called: Carnitine palmitoyltransferase 1A deficiency; CPT deficiency, hepatic, type IA; Carnitine palmitoyltransferase type I deficiency; CPT I DEFICIENCY; CPT DEFICIENCY, HEPATIC, TYPE I. Identifiers: Orphanet 156, MedGen C1829703, MONDO:0009705, OMIM 255120.

gnomAD v4.1: 1 of 1,614,234 alleles (0.000062%); highest among the groups gnomAD compares: Admixed American, 0.0017%; no homozygotes.

Submission:

Labcorp Genetics (formerly Invitae), Labcorp
Classification: Uncertain significance for Carnitine palmitoyl transferase 1A deficiency. Last evaluated: 2025-06-12. Review status: criteria provided, single submitter. Criteria: Invitae Variant Classification Sherloc (09022015). Collection method: clinical testing. Allele origin: germline.
Comment: This sequence change replaces proline, which is neutral and non-polar, with threonine, which is neutral and polar, at codon 510 of the CPT1A protein (p.Pro510Thr). This variant is not present in population databases (gnomAD no frequency). This variant has not been reported in the literature in individuals affected with CPT1A-related conditions. ClinVar contains an entry for this variant (Variation ID: 1897436). Invitae Evidence Modeling of protein sequence and biophysical properties (such as structural, functional, and spatial information, amino acid conservation, physicochemical variation, residue mobility, and thermodynamic stability) indicates that this missense variant is not expected to disrupt CPT1A protein function with a negative predictive value of 95%. In summary, the available evidence is currently insufficient to determine the role of this variant in disease. Therefore, it has been classified as a Variant of Uncertain Significance.